The following is an entry in ClinVar:

ClinVar aggregate classification (germline): Uncertain significance (1 of 4 stars; one submission).

Conditions:
Marinesco-Sjögren syndrome (MSS). Also called: Marinesco-SjÃ¶gren syndrome; Marinesco-Sjogren Syndrome. Identifiers: Orphanet 559, MedGen C0024814, MONDO:0009567, OMIM 248800.

gnomAD v4.1: 1 of 1,614,158 alleles (0.000062%); highest among the groups gnomAD compares: Non-Finnish European, 0.000085%; no homozygotes.

Submission:

Labcorp Genetics (formerly Invitae), Labcorp
Classification: Uncertain significance for Marinesco-Sjögren syndrome. Last evaluated: 2022-06-01. Review status: criteria provided, single submitter. Criteria: Invitae Variant Classification Sherloc (09022015). Collection method: clinical testing. Allele origin: germline.
Comment: This variant has not been reported in the literature in individuals affected with SIL1-related conditions. This variant is not present in population databases (gnomAD no frequency). This sequence change replaces glutamic acid, which is acidic and polar, with alanine, which is neutral and non-polar, at codon 200 of the SIL1 protein (p.Glu200Ala). Algorithms developed to predict the effect of missense changes on protein structure and function are either unavailable or do not agree on the potential impact of this missense change (SIFT: "Tolerated"; PolyPhen-2: "Possibly Damaging"; Align-GVGD: "Class C0"). In summary, the available evidence is currently insufficient to determine the role of this variant in disease. Therefore, it has been classified as a Variant of Uncertain Significance.

NM_022464.5(SIL1):c.599A>C (p.Glu200Ala)

Gene: SIL1 (SIL1 nucleotide exchange factor; minus strand). Cytogenetic location: 5q31.2.
Variant type: single nucleotide variant.
Coding change: c.599A>C on transcript NM_022464.5 (MANE Select); coding-DNA position 599, A replaced by C.
Protein change: p.Glu200Ala; replaces glutamic acid 200 with alanine.
Molecular consequence: missense variant.
Genome position (GRCh38, 1-based): chr5:139,026,847, T>G on the plus strand (A>C on the coding strand, the complement: SIL1 is on the minus strand). VCF-style: chr5-139026847-T-G. GRCh37 (hg19) VCF-style: chr5-138362536-T-G.
Other names: c.599A>C, p.Glu200Ala (NM_001037633.2); short protein forms E200A.
Identifiers: ClinVar variation 2193803 (VCV002193803.4), dbSNP rs879437180, ClinGen allele CA361134849.